The following is an entry in ClinVar:

NM_152594.3(SPRED1):c.1103G>C (p.Cys368Ser)

Gene: SPRED1 (sprouty related EVH1 domain containing 1; plus strand). Cytogenetic location: 15q14.
Variant type: single nucleotide variant.
Coding change: c.1103G>C on transcript NM_152594.3 (MANE Select); coding-DNA position 1103, G replaced by C.
Protein change: p.Cys368Ser; replaces cysteine 368 with serine.
Molecular consequence: missense variant.
Genome position (GRCh38, 1-based): chr15:38,351,432, G>C. VCF-style: chr15-38351432-G-C. GRCh37 (hg19) VCF-style: chr15-38643633-G-C.
Other names: short protein forms C368S.
Identifiers: ClinVar variation 1061139 (VCV001061139.10), dbSNP rs2141016537, ClinGen allele CA391934144.
Genomic context (GRCh38, chr15:38,351,432, plus strand): 5'-TTAGGGGAAAATGTCAGGATGCTCCAGACCCTATTAAAAGATGCATATATCAAGTTAGTT[G>C]CATGCTCTGTGCAGAGAGCATGTTGTATCATTGTATGTCAGACTCAGAGGGAGATTTTTC-3'
Protein context (NP_689807.1, residues 358-378): PIKRCIYQVS[Cys368Ser]MLCAESMLYH

ClinVar aggregate classification (germline): Uncertain significance. Review status: criteria provided, multiple submitters, no conflicts (2 of 4 stars). 2 submissions from 2 submitters: Uncertain significance (2). Last evaluated 2021-05-28.

Conditions:
Legius syndrome. Identifiers: Orphanet 137605, MedGen C1969623, MONDO:0012669, OMIM 611431. Disease mechanism: loss of function.

Submissions (2):

GeneDx
Classification: Uncertain significance. Last evaluated: 2021-05-28. Review status: criteria provided, single submitter. Criteria: GeneDx Variant Classification Process June 2021. Collection method: clinical testing. Allele origin: germline. Affected: yes.
Comment: Not observed at significant frequency in large population cohorts (Lek 2016); In silico analysis supports that this missense variant has a deleterious effect on protein structure/function; Observed in an individual with multiple caf-au-lait macules (Castellanos 2020); This variant is associated with the following publications: (PMID: 31573083, 27535533)

Labcorp Genetics (formerly Invitae), Labcorp
Classification: Uncertain significance for Legius syndrome. Last evaluated: 2020-07-24. Review status: criteria provided, single submitter. Criteria: Invitae Variant Classification Sherloc (09022015). Collection method: clinical testing. Allele origin: germline.
Comment: In summary, the available evidence is currently insufficient to determine the role of this variant in disease. Therefore, it has been classified as a Variant of Uncertain Significance. Algorithms developed to predict the effect of missense changes on protein structure and function are either unavailable or do not agree on the potential impact of this missense change (SIFT: "Tolerated"; PolyPhen-2: "Probably Damaging"; Align-GVGD: "Class C0"). This variant has been observed in individual(s) with multiple café-au-lait macules (PMID: 31573083). This variant is not present in population databases (ExAC no frequency). This sequence change replaces cysteine with serine at codon 368 of the SPRED1 protein (p.Cys368Ser). The cysteine residue is highly conserved and there is a moderate physicochemical difference between cysteine and serine.

Literature cited by the submitters: PubMed 31573083 (cited by Labcorp Genetics (formerly Invitae), Labcorp).